The following is an entry in ClinVar:

ClinVar aggregate classification (germline): Uncertain significance. Review status: criteria provided, multiple submitters, no conflicts (2 of 4 stars). 9 submissions from 9 submitters: Uncertain significance (6). 3 of the submissions do not count toward it. Last evaluated 2026-03-01.

Conditions:
Dilated cardiomyopathy 1G (CMD1G). Identifiers: Orphanet 154, MedGen C1858763, MONDO:0011400, OMIM 604145.
Autosomal recessive limb-girdle muscular dystrophy type 2J (LGMDR10). Also called: Limb-girdle muscular dystrophy, type 2J; MUSCULAR DYSTROPHY, LIMB-GIRDLE, AUTOSOMAL RECESSIVE 10. Identifiers: Orphanet 140922, MedGen C1837342, MONDO:0012127, OMIM 608807.
Myopathy, myofibrillar, 9, with early respiratory failure (MFM9). Also called: EDSTROM MYOPATHY; MYOPATHY, PROXIMAL, WITH EARLY RESPIRATORY MUSCLE INVOLVEMENT; Hereditary myopathy with early respiratory failure; Myopathy, distal, with early respiratory failure, autosomal dominant. Identifiers: Orphanet 178464, Orphanet 34521, MedGen C1863599, MONDO:0011362, OMIM 603689.
Tibial muscular dystrophy (TMD). Also called: Udd Distal Myopathy – Tibial Muscular Dystrophy; Tibial muscular dystrophy, tardive; UDD MYOPATHY. Identifiers: Orphanet 609, MedGen C1838244, MONDO:0010870, OMIM 600334.
Early-onset myopathy with fatal cardiomyopathy (CMYO5). Also called: CONGENITAL MYOPATHY 5 WITH CARDIOMYOPATHY; Salih Myopathy. Identifiers: Orphanet 289377, MedGen C2673677, MONDO:0012714, OMIM 611705. Disease mechanism: loss of function.
Hypertrophic cardiomyopathy 9. Also called: Familial hypertrophic cardiomyopathy 9. Identifiers: MedGen C1861065, MONDO:0013412, OMIM 613765.
Cardiomyopathy (CMYO). Also called: Cardiomyopathies. Identifiers: Orphanet 167848, MedGen C0878544, MONDO:0004994, HP:0001638. Inheritance: Various modes of inheritance.

Allele frequency attached by ClinVar (database versions not stated): ExAC 0.00001; gnomAD 0.00001; gnomAD exomes 0.00001 and 0.00002; TOPMed 0.00001.
gnomAD v4.1: 22 of 1,613,890 alleles (0.0014%); highest among the groups gnomAD compares: Non-Finnish European, 0.0019%; no homozygotes.

Submissions (9):

CeGaT Center for Human Genetics Tuebingen
Classification: Uncertain significance. Last evaluated: 2026-03-01. Review status: criteria provided, single submitter. Criteria: CeGaT Center For Human Genetics Tuebingen Variant Classification Criteria Version 2. Collection method: clinical testing. Allele origin: germline. Affected: yes. Observed: 1 variant allele.
Comment: TTN: PM2

Labcorp Genetics (formerly Invitae), Labcorp
Classification: Uncertain significance for Dilated cardiomyopathy 1G; Autosomal recessive limb-girdle muscular dystrophy type 2J. Last evaluated: 2024-12-27. Review status: criteria provided, single submitter. Criteria: Invitae Variant Classification Sherloc (09022015). Collection method: clinical testing. Allele origin: germline.
Comment: This sequence change replaces glutamine, which is neutral and polar, with arginine, which is basic and polar, at codon 34577 of the TTN protein (p.Gln34577Arg). This variant is present in population databases (rs727505009, gnomAD 0.004%). This missense change has been observed in individual(s) with dilated cardiomyopathy (PMID: 25163546). ClinVar contains an entry for this variant (Variation ID: 179636). Experimental studies and prediction algorithms are not available or were not evaluated, and the functional significance of this variant is currently unknown. This variant is located in the M band of TTN (PMID: 25589632). Non-truncating variants in this region may be relevant for neuromuscular disorders, but have not been definitively shown to cause cardiomyopathy (PMID: 23975875). In summary, the available evidence is currently insufficient to determine the role of this variant in disease. Therefore, it has been classified as a Variant of Uncertain Significance.

Fulgent Genetics
Classification: Uncertain significance for Tibial muscular dystrophy; Myopathy, myofibrillar, 9, with early respiratory failure; Dilated cardiomyopathy 1G; Autosomal recessive limb-girdle muscular dystrophy type 2J; Early-onset myopathy with fatal cardiomyopathy; Hypertrophic cardiomyopathy 9. Last evaluated: 2021-10-07. Review status: criteria provided, single submitter. Criteria: ACMG Guidelines, 2015. Collection method: clinical testing. Allele origin: unknown.

GeneDx
Classification: Uncertain significance. Last evaluated: 2019-11-27. Review status: criteria provided, single submitter. Criteria: GeneDx Variant Classification Process June 2021. Collection method: clinical testing. Allele origin: germline. Affected: yes.
Comment: Reported in a cohort of 639 patients with sporadic or familial DCM (Haas et al., 2015); of note, this variant is described as Q25704R due to the use of an alternate transcript; Not observed at a significant frequency in large population cohorts (Lek et al., 2016); Reported in ClinVar as a variant of uncertain significance (ClinVar Variant ID# 179636; Landrum et al., 2016); In silico analysis, which includes splice predictors and evolutionary conservation, suggests this variant may impact gene splicing; in the absence of RNA/functional studies, the actual effect of this sequence change is unknown; This variant is associated with the following publications: (PMID: 25163546)

CHEO Genetics Diagnostic Laboratory, Children's Hospital of Eastern Ontario
Classification: Uncertain significance for Cardiomyopathy. Last evaluated: 2019-01-08. Review status: criteria provided, single submitter. Criteria: ACMG Guidelines, 2015. Collection method: clinical testing. Allele origin: germline.

Laboratory for Molecular Medicine, Mass General Brigham Personalized Medicine
Classification: Uncertain significance. Last evaluated: 2014-03-05. Review status: criteria provided, single submitter. Criteria: LMM Criteria. Collection method: clinical testing. Allele origin: germline. Observed: 1 variant allele.
Comment: The Gln32009Arg variant in TTN has not been previously reported in individuals w ith cardiomyopathy or in large population studies. Computational prediction tool s and conservation analysis do not provide strong support for or against an impa ct to the protein. Additional information is needed to fully assess the clinical significance of the GLn32009Arg variant.

Clinical Genetics, Academic Medical Center
Classification: Uncertain significance. Review status: no assertion criteria provided. Collection method: clinical testing. Allele origin: germline. Affected: yes. Study: VKGL Data-share Consensus. Not counted in ClinVar's aggregate classification.

Diagnostic Laboratory, Department of Genetics, University Medical Center Groningen
Classification: Uncertain significance. Review status: no assertion criteria provided. Collection method: clinical testing. Allele origin: germline. Affected: yes. Study: VKGL Data-share Consensus. Not counted in ClinVar's aggregate classification.

Joint Genome Diagnostic Labs from Nijmegen and Maastricht, Radboudumc and MUMC+
Classification: Uncertain significance. Review status: no assertion criteria provided. Collection method: clinical testing. Allele origin: germline. Affected: yes. Study: VKGL Data-share Consensus. Not counted in ClinVar's aggregate classification.

Literature cited by the submitters: PubMed 25163546 (cited by Labcorp Genetics (formerly Invitae), Labcorp); PubMed 25589632 (cited by Labcorp Genetics (formerly Invitae), Labcorp); PubMed 23975875 (cited by Labcorp Genetics (formerly Invitae), Labcorp).

NM_001267550.2(TTN):c.103730A>G (p.Gln34577Arg)

Genes: TTN (titin; minus strand), TTN-AS1 (TTN antisense RNA 1; plus strand). Cytogenetic location: 2q31.2.
Variant type: single nucleotide variant.
Coding change: c.103730A>G on transcript NM_001267550.2 (MANE Select); coding-DNA position 103730, A replaced by G.
Protein change: p.Gln34577Arg; replaces glutamine 34577 with arginine.
Molecular consequence: missense variant.
Genome position (GRCh38, 1-based): chr2:178,532,885, T>C on the plus strand (A>G on the coding strand, the complement: TTN is on the minus strand). VCF-style: chr2-178532885-T-C. GRCh37 (hg19) VCF-style: chr2-179397612-T-C.
Other names: c.96026A>G, p.Gln32009Arg (NM_133378.4); c.98807A>G, p.Gln32936Arg (NM_001256850.1); c.76535A>G, p.Gln25512Arg (NM_003319.4); c.76910A>G, p.Gln25637Arg (NM_133432.3); c.77111A>G, p.Gln25704Arg (NM_133437.4); short protein forms Q32009R, Q34577R, Q25512R, Q32936R, Q25637R, Q25704R.
Identifiers: ClinVar variation 179636 (VCV000179636.25), dbSNP rs727505009, ClinGen allele CA184820.